The following is an entry in ClinVar:

ClinVar aggregate classification (germline): Pathogenic (1 of 4 stars; one submission).

Conditions:
Hereditary cancer-predisposing syndrome. Also called: Tumor predisposition; Hereditary neoplastic syndrome; Hereditary Cancer Syndrome; Neoplastic Syndromes, Hereditary. Identifiers: Orphanet 140162, MedGen C0027672, MeSH D009386, MONDO:0015356.

Submission:

Color Diagnostics, LLC DBA Color Health
Classification: Pathogenic for Hereditary cancer-predisposing syndrome. Last evaluated: 2021-03-08. Review status: criteria provided, single submitter. Criteria: ACMG Guidelines, 2015. Collection method: clinical testing. Allele origin: germline.
Comment: This variant inserts 2 nucleotides in exon 12 of the CHEK2 gene, creating a frameshift in exon 12 and premature translation stop signal in exon 13. This variant is expected to result in an absent or non-functional protein product. To our knowledge, this variant has not been reported in individuals affected with hereditary cancer in the literature. This variant has not been identified in the general population by the Genome Aggregation Database (gnomAD). Loss of CHEK2 function is a known mechanism of disease. Based on the available evidence, this variant is classified as Pathogenic.

NM_007194.4(CHEK2):c.1366_1367dup (p.Glu457fs)

Gene: CHEK2 (checkpoint kinase 2; minus strand). Cytogenetic location: 22q12.1.
Variant type: Microsatellite.
Coding change: c.1366_1367dup on transcript NM_007194.4 (MANE Select); coding-DNA positions 1366 to 1367, 2 bases duplicated (TC; older notation c.1366_1367dupTC).
Protein change: p.Glu457fs; shifts the reading frame from glutamic acid 457.
Molecular consequence: frameshift variant.
Genome position (GRCh38, 1-based): chr22:28,695,135-28,695,136, GA duplicated on the plus strand (TC on the coding strand, the reverse complement: CHEK2 is on the minus strand); duplicating any 2 consecutive bases within chr22:28,695,135-28,695,138 gives the same sequence; the c. name uses the placement nearest the transcript's 3' end. VCF-style (leftmost placement, unchanged base first): chr22-28695134-T-TGA. GRCh37 (hg19) VCF-style: chr22-29091122-T-TGA.
Other names: c.1493_1494TC[3], p.Glu500Glnfs (NM_001005735.3); c.701_702TC[3], p.Glu236Glnfs (NM_001257387.3); c.1163_1164TC[3], p.Glu390Glnfs (NM_001349956.3); c.1277_1278TC[3], p.Glu428Glnfs (NM_145862.3); short protein forms E236fs, E390fs, E428fs, E457fs, E500fs.
Identifiers: ClinVar variation 1171523 (VCV001171523.3), dbSNP rs2145792867, ClinGen allele CA2580615273.